The following is an entry in ClinVar:

ClinVar aggregate classification (germline): Uncertain significance (0 of 4 stars; one submission).

Submission:

Richard Lifton Laboratory, Yale University School of Medicine
Classification: Uncertain significance. Review status: no assertion criteria provided. Collection method: not provided. Allele origin: somatic.
Comment: OR1N1
ClinVar note: Converted during submission from unknown to Uncertain significance.

NM_012363.1(OR1N1):c.853C>A (p.Pro285Thr)

Genes: OR1J2 (olfactory receptor family 1 subfamily J member 2; plus strand), OR1N1 (olfactory receptor family 1 subfamily N member 1; minus strand). Cytogenetic location: 9q33.2.
Variant type: single nucleotide variant.
Coding change: c.853C>A on transcript NM_012363.1 (MANE Select); coding-DNA position 853, C replaced by A.
Protein change: p.Pro285Thr; replaces proline 285 with threonine.
Molecular consequence: missense variant.
Genome position (GRCh38, 1-based): chr9:122,526,441, G>T on the plus strand (C>A on the coding strand, the complement: OR1N1 is on the minus strand). VCF-style: chr9-122526441-G-T. GRCh37 (hg19) VCF-style: chr9-125288720-G-T.
Other names: short protein forms P285T.
Identifiers: ClinVar variation 91977 (VCV000091977.2), dbSNP rs201161748, ClinGen allele CA232281.